The following is an entry in ClinVar:

ClinVar aggregate classification (germline): Uncertain significance (1 of 4 stars; one submission).

Conditions:
RASopathy. Also called: Noonan spectrum disorder; rasopathies. Identifiers: Orphanet 536391, MedGen C5555857, MONDO:0021060.

Allele frequency attached by ClinVar (database versions not stated): gnomAD exomes 0.00001; ExAC 0.00002; gnomAD 0.00002; TOPMed 0.00003.
gnomAD v4.1: 21 of 1,614,000 alleles (0.0013%); highest among the groups gnomAD compares: South Asian, 0.016%; 1 homozygote.

Submission:

Labcorp Genetics (formerly Invitae), Labcorp
Classification: Uncertain significance for RASopathy. Last evaluated: 2025-05-22. Review status: criteria provided, single submitter. Criteria: Invitae Variant Classification Sherloc (09022015). Collection method: clinical testing. Allele origin: germline.
Comment: This sequence change affects a donor splice site in intron 10 of the CBL gene. It is expected to disrupt RNA splicing. Variants that disrupt the donor or acceptor splice site typically lead to a loss of protein function (PMID: 16199547), however the current clinical and genetic evidence is not sufficient to establish whether loss-of-function variants in CBL cause disease. This variant is present in population databases (rs766785320, gnomAD 0.01%). This variant has not been reported in the literature in individuals affected with CBL-related conditions. ClinVar contains an entry for this variant (Variation ID: 1902491). Algorithms developed to predict the effect of sequence changes on RNA splicing suggest that this variant may disrupt the consensus splice site. In summary, the available evidence is currently insufficient to determine the role of this variant in disease. Therefore, it has been classified as a Variant of Uncertain Significance.

Literature cited by the submitters: PubMed 16199547.

NM_005188.4(CBL):c.1563+1G>A

Gene: CBL (Cbl proto-oncogene; plus strand). Cytogenetic location: 11q23.3.
Variant type: single nucleotide variant.
Coding change: c.1563+1G>A on transcript NM_005188.4 (MANE Select); the canonical splice donor site of the intron after coding-DNA position 1563, G replaced by A.
Molecular consequence: splice donor variant.
Genome position (GRCh38, 1-based): chr11:119,285,101, G>A. VCF-style: chr11-119285101-G-A. GRCh37 (hg19) VCF-style: chr11-119155811-G-A.
Identifiers: ClinVar variation 1902491 (VCV001902491.5), dbSNP rs766785320, ClinGen allele CA6318551.